The following is an entry in ClinVar:

ClinVar aggregate classification (germline): Uncertain significance (1 of 4 stars; one submission).

Allele frequency attached by ClinVar (database versions not stated): gnomAD 0.00001; ExAC 0.00002; gnomAD exomes 0.00002.
gnomAD v4.1: 31 of 1,605,808 alleles (0.0019%); highest among the groups gnomAD compares: Non-Finnish European, 0.0025%; no homozygotes.

Submission:

Labcorp Genetics (formerly Invitae), Labcorp
Classification: Uncertain significance. Last evaluated: 2022-03-22. Review status: criteria provided, single submitter. Criteria: Invitae Variant Classification Sherloc (09022015). Collection method: clinical testing. Allele origin: germline.
Comment: This sequence change falls in intron 9 of the WDR4 gene. It does not directly change the encoded amino acid sequence of the WDR4 protein. It affects a nucleotide within the consensus splice site. This variant is present in population databases (rs776211954, gnomAD 0.004%). This variant has not been reported in the literature in individuals affected with WDR4-related conditions. Variants that disrupt the consensus splice site are a relatively common cause of aberrant splicing (PMID: 17576681, 9536098). Algorithms developed to predict the effect of sequence changes on RNA splicing suggest that this variant is not likely to affect RNA splicing. In summary, the available evidence is currently insufficient to determine the role of this variant in disease. Therefore, it has been classified as a Variant of Uncertain Significance.

Literature cited by the submitters: PubMed 17576681; PubMed 9536098.

NM_018669.6(WDR4):c.975+3G>A

Gene: WDR4 (WD repeat domain 4; minus strand). Cytogenetic location: 21q22.3.
Variant type: single nucleotide variant.
Coding change: c.975+3G>A on transcript NM_018669.6 (MANE Select); 3 bases into the intron after coding-DNA position 975, G replaced by A.
Molecular consequence: intron variant.
Genome position (GRCh38, 1-based): chr21:42,853,566, C>T on the plus strand (G>A on the coding strand, the complement: WDR4 is on the minus strand). VCF-style: chr21-42853566-C-T. GRCh37 (hg19) VCF-style: chr21-44273676-C-T.
Other names: c.975+3G>A (NM_033661.5); c.537+3G>A (NM_001260476.2, NM_001260475.2, NM_001260477.2); c.972+3G>A (NM_001260474.2).
Identifiers: ClinVar variation 1390003 (VCV001390003.3), dbSNP rs776211954, ClinGen allele CA10045875.